The following is an entry in ClinVar:

NM_025216.3(WNT10A):c.532C>T (p.Gln178Ter)

Gene: WNT10A (Wnt family member 10A; plus strand). Cytogenetic location: 2q35.
Variant type: single nucleotide variant.
Coding change: c.532C>T on transcript NM_025216.3 (MANE Select); coding-DNA position 532, C replaced by T.
Protein change: p.Gln178Ter; replaces glutamine 178 with a stop codon.
Molecular consequence: nonsense.
Genome position (GRCh38, 1-based): chr2:218,890,139, C>T. VCF-style: chr2-218890139-C-T. GRCh37 (hg19) VCF-style: chr2-219754861-C-T.
Other names: short protein forms Q178*.
Identifiers: ClinVar variation 2131175 (VCV002131175.4), dbSNP rs2470312717, ClinGen allele CA350586049.

ClinVar aggregate classification (germline): Pathogenic (1 of 4 stars; one submission).

Conditions:
Odonto-onycho-dermal dysplasia. Identifiers: Orphanet 2721, MedGen C0796093, MONDO:0009773, OMIM 257980.
Tooth agenesis, selective, 4 (STHAG4). Also called: SUCCEDANEOUS TEETH, AGENESIS OF; TOOTH AGENESIS, SELECTIVE, 4, WITH OR WITHOUT ECTODERMAL DYSPLASIA; LATERAL INCISORS, ABSENCE OF; LATERAL INCISORS, PEGGED OR MISSING. Identifiers: Orphanet 99798, MedGen C1835492, MONDO:0007881, OMIM 150400. Disease mechanism: loss of function.

Submission:

Labcorp Genetics (formerly Invitae), Labcorp
Classification: Pathogenic for Tooth agenesis, selective, 4; Odonto-onycho-dermal dysplasia. Last evaluated: 2022-04-28. Review status: criteria provided, single submitter. Criteria: Invitae Variant Classification Sherloc (09022015). Collection method: clinical testing. Allele origin: germline.
Comment: For these reasons, this variant has been classified as Pathogenic. This variant has not been reported in the literature in individuals affected with WNT10A-related conditions. This variant is not present in population databases (gnomAD no frequency). This sequence change creates a premature translational stop signal (p.Gln178*) in the WNT10A gene. It is expected to result in an absent or disrupted protein product. Loss-of-function variants in WNT10A are known to be pathogenic (PMID: 17847007, 22581971, 25629078).

Literature cited by the submitters: PubMed 17847007; PubMed 22581971; PubMed 25629078.